The following is an entry in ClinVar:

ClinVar aggregate classification (germline): Likely benign (1 of 4 stars; one submission).

Allele frequency attached by ClinVar (database versions not stated): TOPMed 0.01416; gnomAD 0.01486 and 0.01487; 1000 Genomes Project 0.00795; gnomAD exomes 0.01984; 1000 Genomes Project 30x 0.00832.
gnomAD v4.1: 2,907 of 175,759 alleles (1.7%); highest among the groups gnomAD compares: Non-Finnish European, 2.4%; 33 homozygotes.

Submission:

GeneDx
Classification: Likely benign. Last evaluated: 2018-06-14. Review status: criteria provided, single submitter. Criteria: GeneDx Variant Classification (06012015). Collection method: clinical testing. Allele origin: germline. Affected: yes.
Comment: This variant is considered likely benign or benign based on one or more of the following criteria: it is a conservative change, it occurs at a poorly conserved position in the protein, it is predicted to be benign by multiple in silico algorithms, and/or has population frequency not consistent with disease.

NM_006359.2(SLC9A6):c.-349C>T

Gene: SLC9A6 (solute carrier family 9 member A6; plus strand). Cytogenetic location: Xq26.3.
Variant type: single nucleotide variant.
Coding change: c.-349C>T on transcript NM_006359.2; 349 bases upstream of the start codon, C replaced by T.
Molecular consequence: intron variant (on NM_001400909.1).
Genome position (GRCh38, 1-based): chrX:135,985,154, C>T. VCF-style: chrX-135985154-C-T. GRCh37 (hg19) VCF-style: chrX-135067313-C-T.
Other names: c.-35-470C>T (NM_001400909.1); c.-56-449C>T (NM_001400910.1, NM_001400911.1).
Identifiers: ClinVar variation 669883 (VCV000669883.3), dbSNP rs138591582, ClinGen allele CA15051896.